The following is an entry in ClinVar:

ClinVar aggregate classification (germline): Pathogenic/Likely pathogenic. Review status: criteria provided, multiple submitters, no conflicts (2 of 4 stars). 2 submissions from 2 submitters: Pathogenic (1); Likely pathogenic (1). Last evaluated 2025-03-14.

Conditions:
Lynch syndrome 5 (LYNCH5). Also called: Hereditary non-polyposis colorectal cancer, type 5; Colorectal cancer, hereditary nonpolyposis, type 5. Identifiers: Orphanet 144, MedGen C1833477, MONDO:0013710, OMIM 614350. Disease mechanism: loss of function.
Hereditary cancer-predisposing syndrome. Also called: Tumor predisposition; Hereditary Cancer Syndrome; Hereditary neoplastic syndrome; Neoplastic Syndromes, Hereditary. Identifiers: Orphanet 140162, MedGen C0027672, MeSH D009386, MONDO:0015356.

Submissions (2):

Myriad Genetics, Inc.
Classification: Pathogenic for Lynch syndrome 5. Last evaluated: 2025-03-14. Review status: criteria provided, single submitter. Criteria: Myriad Autosomal Dominant, Autosomal Recessive and X-Linked Classification Criteria (2023). Collection method: clinical testing. Allele origin: unknown.
Comment: This variant is considered pathogenic. This variant creates a frameshift predicted to result in premature protein truncation.

Ambry Genetics
Classification: Likely pathogenic for Hereditary cancer-predisposing syndrome. Last evaluated: 2024-06-11. Review status: criteria provided, single submitter. Criteria: Ambry Variant Classification Scheme 2023. Collection method: clinical testing. Allele origin: germline.
Comment: The c.3961dupA variant, located in coding exon 9 of the MSH6 gene, results from a duplication of A at nucleotide position 3961, causing a translational frameshift with a predicted alternate stop codon (p.R1321Kfs*4). This alteration occurs at the 3' terminus of theMSH6 gene, is not expected to trigger nonsense-mediated mRNA decay, and only impacts the last 2.94% of the protein. However, premature stop codons are typically deleterious in nature and the impacted region is critical for protein function (Ambry internal data). This variant is considered to be rare based on population cohorts in the Genome Aggregation Database (gnomAD). Based on the majority of available evidence to date, this variant is likely to be pathogenic.

NM_000179.3(MSH6):c.3961dup (p.Arg1321fs)

Gene: MSH6 (mutS homolog 6; plus strand). Cytogenetic location: 2p16.3.
Variant type: Duplication.
Coding change: c.3961dup on transcript NM_000179.3 (MANE Select); coding-DNA position 3961, one base duplicated (A; older notation c.3961dupA).
Protein change: p.Arg1321fs; shifts the reading frame from arginine 1321.
Molecular consequence: frameshift variant. On other transcripts: non-coding transcript variant (5), intron variant (1).
Genome position (GRCh38, 1-based): chr2:47,806,611, A duplicated; the last of 2 consecutive A bases (chr2:47,806,610-47,806,611); duplicating either gives the same sequence. VCF-style (leftmost placement, unchanged base first): chr2-47806609-C-CA. GRCh37 (hg19) VCF-style: chr2-48033748-C-CA.
Other names: c.3961dupA (NM_000179.2); c.3571dup, p.Arg1191fs (NM_001281492.2); c.3055dup, p.Arg1019fs (NM_001281493.2, NM_001281494.2, NM_001406811.1 and 6 more transcripts); c.4057dup, p.Arg1353fs (NM_001406795.1); c.3961dup, p.Arg1321fs (NM_001406796.1, NM_001406808.1, NM_001406809.1); c.3664dup, p.Arg1222fs (NM_001406797.1, NM_001406801.1, NM_001406805.1 and 10 more transcripts); c.3787dup, p.Arg1263fs (NM_001406798.1); c.3436dup, p.Arg1146fs (NM_001406799.1, NM_001406806.1, NM_001406807.1); and 10 more; short protein forms R1265fs, R1033fs, R1146fs, R1191fs, R1263fs, R1321fs, R1353fs, E1317fs.
Identifiers: ClinVar variation 3296412 (VCV003296412.2).